The following is an entry in ClinVar:

NM_018671.5(UNC45A):c.2654T>A (p.Val885Glu)

Genes: RCCD1-AS1 (RCCD1 and UNC45A antisense RNA 1; minus strand), UNC45A (unc-45 myosin chaperone A; plus strand). Cytogenetic location: 15q26.1.
Variant type: single nucleotide variant.
Coding change: c.2654T>A on transcript NM_018671.5 (MANE Select); coding-DNA position 2654, T replaced by A.
Protein change: p.Val885Glu; replaces valine 885 with glutamic acid.
Molecular consequence: missense variant.
Genome position (GRCh38, 1-based): chr15:90,953,535, T>A. VCF-style: chr15-90953535-T-A. GRCh37 (hg19) VCF-style: chr15-91496765-T-A.
Other names: c.2609T>A, p.Val870Glu (NM_001039675.2, NM_001323621.2); c.2654T>A, p.Val885Glu (NM_001323619.1); c.2219T>A, p.Val740Glu (NM_001323620.2); short protein forms V870E, V740E, V885E.
Identifiers: ClinVar variation 2102413 (VCV002102413.4), dbSNP rs2543188554, ClinGen allele CA393863057.

ClinVar aggregate classification (germline): Uncertain significance (1 of 4 stars; one submission).

Submission:

Labcorp Genetics (formerly Invitae), Labcorp
Classification: Uncertain significance. Last evaluated: 2022-02-23. Review status: criteria provided, single submitter. Criteria: Invitae Variant Classification Sherloc (09022015). Collection method: clinical testing. Allele origin: germline.
Comment: This sequence change replaces valine, which is neutral and non-polar, with glutamic acid, which is acidic and polar, at codon 885 of the UNC45A protein (p.Val885Glu). This variant is not present in population databases (gnomAD no frequency). This variant has not been reported in the literature in individuals affected with UNC45A-related conditions. Algorithms developed to predict the effect of missense changes on protein structure and function are either unavailable or do not agree on the potential impact of this missense change (SIFT: "Not Available"; PolyPhen-2: "Possibly Damaging"; Align-GVGD: "Not Available"). In summary, the available evidence is currently insufficient to determine the role of this variant in disease. Therefore, it has been classified as a Variant of Uncertain Significance.